The following is an entry in ClinVar:

ClinVar aggregate classification (germline): Uncertain significance (1 of 4 stars; one submission).

Allele frequency attached by ClinVar (database versions not stated): ExAC 0.00001; gnomAD exomes 0.00001.
gnomAD v4.1: 5 of 1,613,914 alleles (0.00031%); highest among the groups gnomAD compares: Admixed American, 0.0083%; no homozygotes.

Submission:

Labcorp Genetics (formerly Invitae), Labcorp
Classification: Uncertain significance. Last evaluated: 2024-11-05. Review status: criteria provided, single submitter. Criteria: Invitae Variant Classification Sherloc (09022015). Collection method: clinical testing. Allele origin: germline.
Comment: This sequence change replaces alanine, which is neutral and non-polar, with valine, which is neutral and non-polar, at codon 948 of the ASXL2 protein (p.Ala948Val). This variant is present in population databases (rs760621614, gnomAD 0.009%). This variant has not been reported in the literature in individuals affected with ASXL2-related conditions. ClinVar contains an entry for this variant (Variation ID: 1960924). Invitae Evidence Modeling of protein sequence and biophysical properties (such as structural, functional, and spatial information, amino acid conservation, physicochemical variation, residue mobility, and thermodynamic stability) has been performed for this missense variant. However, the output from this modeling did not meet the statistical confidence thresholds required to predict the impact of this variant on ASXL2 protein function. In summary, the available evidence is currently insufficient to determine the role of this variant in disease. Therefore, it has been classified as a Variant of Uncertain Significance.

NM_018263.6(ASXL2):c.2843C>T (p.Ala948Val)

Gene: ASXL2 (ASXL transcriptional regulator 2; minus strand). Cytogenetic location: 2p23.3.
Variant type: single nucleotide variant.
Coding change: c.2843C>T on transcript NM_018263.6 (MANE Select); coding-DNA position 2843, C replaced by T.
Protein change: p.Ala948Val; replaces alanine 948 with valine.
Molecular consequence: missense variant.
Genome position (GRCh38, 1-based): chr2:25,743,494, G>A on the plus strand (C>T on the coding strand, the complement: ASXL2 is on the minus strand). VCF-style: chr2-25743494-G-A. GRCh37 (hg19) VCF-style: chr2-25966363-G-A.
Other names: c.2669C>T, p.Ala890Val (NM_001369346.1); c.2063C>T, p.Ala688Val (NM_001369347.1); short protein forms A948V, A890V, A688V.
Identifiers: ClinVar variation 1960924 (VCV001960924.5), dbSNP rs760621614, ClinGen allele CA1557570.